The following is an entry in ClinVar:

NM_001358530.2(MOCS1):c.360C>A (p.Asp120Glu)

Gene: MOCS1 (molybdenum cofactor synthesis 1; minus strand). Cytogenetic location: 6p21.2.
Variant type: single nucleotide variant.
Coding change: c.360C>A on transcript NM_001358530.2 (MANE Select); coding-DNA position 360, C replaced by A.
Protein change: p.Asp120Glu; replaces aspartic acid 120 with glutamic acid.
Molecular consequence: missense variant. On other transcripts: non-coding transcript variant (1).
Genome position (GRCh38, 1-based): chr6:39,925,736, G>T on the plus strand (C>A on the coding strand, the complement: MOCS1 is on the minus strand). VCF-style: chr6-39925736-G-T. GRCh37 (hg19) VCF-style: chr6-39893480-G-T.
Other names: c.360C>A, p.Asp120Glu (NM_001075098.4, NM_001358529.2, NM_005943.6); c.99C>A, p.Asp33Glu (NM_001358531.2, NM_001358533.2, NM_001358534.2); short protein forms D120E, D33E.
Identifiers: ClinVar variation 2043393 (VCV002043393.4), dbSNP rs1409828110, ClinGen allele CA364044717.

ClinVar aggregate classification (germline): Uncertain significance (1 of 4 stars; one submission).

Conditions:
Sulfite oxidase deficiency due to molybdenum cofactor deficiency type A. Also called: Molybdenum cofactor deficiency, complementation group A; Molybdenum Cofactor Deficiency A. Identifiers: Orphanet 308386, Orphanet 833, MedGen C1854988, MONDO:0009643, OMIM 252150.

Allele frequency attached by ClinVar (database versions not stated): TOPMed below 0.00001; gnomAD 0.00001.
gnomAD v4.1: 1 of 1,612,758 alleles (0.000062%); highest among the groups gnomAD compares: African/African-American, 0.0013%; no homozygotes.

Submission:

Labcorp Genetics (formerly Invitae), Labcorp
Classification: Uncertain significance for Sulfite oxidase deficiency due to molybdenum cofactor deficiency type A. Last evaluated: 2022-05-21. Review status: criteria provided, single submitter. Criteria: Invitae Variant Classification Sherloc (09022015). Collection method: clinical testing. Allele origin: germline.
Comment: In summary, the available evidence is currently insufficient to determine the role of this variant in disease. Therefore, it has been classified as a Variant of Uncertain Significance. Algorithms developed to predict the effect of missense changes on protein structure and function are either unavailable or do not agree on the potential impact of this missense change (SIFT: "Not Available"; PolyPhen-2: "Benign"; Align-GVGD: "Not Available"). This variant has not been reported in the literature in individuals affected with MOCS1-related conditions. This variant is not present in population databases (gnomAD no frequency). This sequence change replaces aspartic acid, which is acidic and polar, with glutamic acid, which is acidic and polar, at codon 120 of the MOCS1 protein (p.Asp120Glu).